The following is an entry in ClinVar:

NM_003072.5(SMARCA4):c.2808C>T (p.Cys936=)

Gene: SMARCA4 (SWI/SNF related BAF chromatin remodeling complex subunit ATPase 4; plus strand). Cytogenetic location: 19p13.2.
Variant type: single nucleotide variant.
Coding change: c.2808C>T on transcript NM_003072.5 (MANE Select); coding-DNA position 2808, C replaced by T.
Protein change: p.Cys936=; no amino-acid change (cysteine 936 retained).
Molecular consequence: synonymous variant. On other transcripts: non-coding transcript variant (1).
Genome position (GRCh38, 1-based): chr19:11,021,916, C>T. VCF-style: chr19-11021916-C-T. GRCh37 (hg19) VCF-style: chr19-11132592-C-T.
Other names: c.2808C>T, p.Cys936= (NM_001128844.3, NM_001128845.2, NM_001128846.2 and 5 more transcripts).
Identifiers: ClinVar variation 415168 (VCV000415168.20), dbSNP rs144841907, ClinGen allele CA9204225.
Genomic context (GRCh38, chr19:11,021,916, plus strand): 5'-CAAGCTTCCCGAGCTCTGGGCGCTGCTCAACTTCCTGCTGCCCACCATCTTCAAGAGCTG[C>T]AGCACCTTCGAGCAGTGGTTTAACGCACCCTTTGCCATGACCGGGGAAAAGGTGGGTTTG-3'
Protein context (NP_003063.2, residues 926-946): NFLLPTIFKS[Cys936=]STFEQWFNAP

ClinVar aggregate classification (germline): Benign/Likely benign. Review status: criteria provided, multiple submitters, no conflicts (2 of 4 stars). 5 submissions from 5 submitters: Benign (2); Likely benign (2). 1 of the submissions does not count toward it. Last evaluated 2026-07-14.

Conditions:
SMARCA4-related disorder. Also called: SMARCA4-related condition.
Rhabdoid tumor predisposition syndrome 2 (RTPS2). Identifiers: Orphanet 231108, Orphanet 69077, MedGen C2750074, MONDO:0013224, OMIM 613325.
Hereditary cancer-predisposing syndrome. Also called: Hereditary Cancer Syndrome; Hereditary neoplastic syndrome; Neoplastic Syndromes, Hereditary; Tumor predisposition. Identifiers: Orphanet 140162, MedGen C0027672, MeSH D009386, MONDO:0015356.

Allele frequency attached by ClinVar (database versions not stated): gnomAD exomes below 0.00001 and 0.00001; gnomAD 0.00005 and 0.00006; ESP Exome Variant Server 0.00008; ExAC 0.00002; TOPMed 0.00006.
gnomAD v4.1: 12 of 1,613,574 alleles (0.00074%); highest among the groups gnomAD compares: African/African-American, 0.015%; no homozygotes.

Submissions (5):

Myriad Genetics, Inc.
Classification: Benign for Rhabdoid tumor predisposition syndrome 2. Last evaluated: 2026-07-14. Review status: criteria provided, single submitter. Criteria: Myriad Autosomal Dominant, Autosomal Recessive and X-Linked Classification Criteria (2023). Collection method: clinical testing. Allele origin: unknown.
Comment: This variant is considered benign. This variant is a silent/synonymous amino acid change and it is not expected to impact splicing.

Labcorp Genetics (formerly Invitae), Labcorp
Classification: Likely benign for Rhabdoid tumor predisposition syndrome 2. Last evaluated: 2026-01-30. Review status: criteria provided, single submitter. Criteria: Invitae Variant Classification Sherloc (09022015). Collection method: clinical testing. Allele origin: germline.

Sema4
Classification: Benign for Hereditary cancer-predisposing syndrome. Last evaluated: 2020-09-17. Review status: criteria provided, single submitter. Criteria: Sema4 Curation Guidelines. Collection method: curation. Allele origin: germline.

Ambry Genetics
Classification: Likely benign for Hereditary cancer-predisposing syndrome. Last evaluated: 2015-09-08. Review status: criteria provided, single submitter. Criteria: Ambry Variant Classification Scheme 2023. Collection method: clinical testing. Allele origin: germline.

PreventionGenetics, part of Exact Sciences
Classification: Likely benign for SMARCA4-related condition. Last evaluated: 2020-11-10. Review status: no assertion criteria provided. Collection method: clinical testing. Allele origin: germline. Not counted in ClinVar's aggregate classification.
Comment: This variant is classified as likely benign based on ACMG/AMP sequence variant interpretation guidelines (Richards et al. 2015 PMID: 25741868, with internal and published modifications).